The following is an entry in ClinVar:

ClinVar aggregate classification (germline): Uncertain significance. Review status: criteria provided, multiple submitters, no conflicts (2 of 4 stars). 2 submissions from 2 submitters: Uncertain significance (2). Last evaluated 2024-10-19.

gnomAD v4.1: 37 of 1,590,086 alleles (0.0023%); highest among the groups gnomAD compares: South Asian, 0.034%; no homozygotes.

Submissions (2):

Ambry Genetics
Classification: Uncertain significance. Last evaluated: 2024-10-19. Review status: criteria provided, single submitter. Criteria: Ambry Variant Classification Scheme 2023. Collection method: clinical testing. Allele origin: germline.

Labcorp Genetics (formerly Invitae), Labcorp
Classification: Uncertain significance. Last evaluated: 2024-07-08. Review status: criteria provided, single submitter. Criteria: Invitae Variant Classification Sherloc (09022015). Collection method: clinical testing. Allele origin: germline.
Comment: This sequence change replaces alanine, which is neutral and non-polar, with valine, which is neutral and non-polar, at codon 138 of the DSCAML1 protein (p.Ala138Val). This variant is present in population databases (rs764355620, gnomAD 0.04%). This variant has not been reported in the literature in individuals affected with DSCAML1-related conditions. An algorithm developed to predict the effect of missense changes on protein structure and function (PolyPhen-2) suggests that this variant is likely to be tolerated. In summary, the available evidence is currently insufficient to determine the role of this variant in disease. Therefore, it has been classified as a Variant of Uncertain Significance.

NM_020693.4(DSCAML1):c.233C>T (p.Ala78Val)

Gene: DSCAML1 (DS cell adhesion molecule like 1; minus strand). Cytogenetic location: 11q23.3.
Variant type: single nucleotide variant.
Coding change: c.233C>T on transcript NM_020693.4 (MANE Select); coding-DNA position 233, C replaced by T.
Protein change: p.Ala78Val; replaces alanine 78 with valine.
Molecular consequence: missense variant. On other transcripts: 5 prime UTR variant (1).
Genome position (GRCh38, 1-based): chr11:117,780,624, G>A on the plus strand (C>T on the coding strand, the complement: DSCAML1 is on the minus strand). VCF-style: chr11-117780624-G-A. GRCh37 (hg19) VCF-style: chr11-117651339-G-A.
Other names: c.233C>T, p.Ala78Val (NM_001367904.1); c.-176C>T (NM_001367905.1); short protein forms A78V.
Identifiers: ClinVar variation 3505350 (VCV003505350.3).